The following is an entry in ClinVar:

ClinVar aggregate classification (germline): Conflicting classifications of pathogenicity. Review status: criteria provided, conflicting classifications (1 of 4 stars). 7 submissions from 7 submitters: Uncertain significance (6); Likely benign (1). Last evaluated 2026-03-27.

Conditions:
Cardiomyopathy (CMYO). Also called: Cardiomyopathies. Identifiers: Orphanet 167848, MedGen C0878544, MONDO:0004994, HP:0001638. Inheritance: Various modes of inheritance.
Cardiovascular phenotype. Identifiers: MedGen CN230736.
Arrhythmogenic right ventricular cardiomyopathy (ARVD). Also called: Arrhythmogenic cardiomyopathy; Arrhythmogenic Right Ventricular Cardiomyopathy (ARVC); Arrhythmogenic right ventricular dysplasia; Cardiomyopathy, ARVC. Identifiers: Orphanet 247, MedGen C0349788, MeSH D019571, MONDO:0016587. Disease mechanism: loss of function. Inheritance: Various modes of inheritance.
Arrhythmogenic right ventricular dysplasia 10. Also called: Arrhythmogenic right ventricular dysplasia/cardiomyopathy, type 10; Arrhythmogenic Right Ventricular Dysplasia/Cardiomyopathy10; ARRHYTHMOGENIC RIGHT VENTRICULAR DYSPLASIA, FAMILIAL, 10. Identifiers: MedGen C1857777, MONDO:0012434, OMIM 610193.

Allele frequency attached by ClinVar (database versions not stated): gnomAD 0.00002; TOPMed 0.00002; ExAC 0.00003; gnomAD exomes 0.00003; ESP Exome Variant Server 0.00008.
gnomAD v4.1: 27 of 1,614,084 alleles (0.0017%); highest among the groups gnomAD compares: African/African-American, 0.0027%; no homozygotes.

Submissions (7):

Molecular Diagnostic Laboratory for Inherited Cardiovascular Disease, Montreal Heart Institute
Classification: Uncertain significance for Cardiovascular phenotype. Last evaluated: 2026-03-27. Review status: criteria provided, single submitter. Criteria: ACMG Guidelines, 2015. Collection method: clinical testing. Allele origin: germline. Affected: yes.
Comment: PS4_supp, PM2, BP4

Labcorp Genetics (formerly Invitae), Labcorp
Classification: Uncertain significance for Arrhythmogenic right ventricular dysplasia 10. Last evaluated: 2025-11-26. Review status: criteria provided, single submitter. Criteria: Invitae Variant Classification Sherloc (09022015). Collection method: clinical testing. Allele origin: germline.
Comment: This sequence change replaces methionine, which is neutral and non-polar, with valine, which is neutral and non-polar, at codon 875 of the DSG2 protein (p.Met875Val). This variant is present in population databases (rs370316475, gnomAD 0.008%). This missense change has been observed in individual(s) with arrhythmogenic right ventricular cardiomyopathy and/or clinical features of DSG2-related conditions (PMID: 21606396, 29517769, 30847666). ClinVar contains an entry for this variant (Variation ID: 222566). Invitae Evidence Modeling of protein sequence and biophysical properties (such as structural, functional, and spatial information, amino acid conservation, physicochemical variation, residue mobility, and thermodynamic stability) indicates that this missense variant is not expected to disrupt DSG2 protein function with a negative predictive value of 95%. In summary, the available evidence is currently insufficient to determine the role of this variant in disease. Therefore, it has been classified as a Variant of Uncertain Significance.

Ambry Genetics
Classification: Likely benign for Cardiovascular phenotype. Last evaluated: 2025-04-17. Review status: criteria provided, single submitter. Criteria: Ambry Variant Classification Scheme 2023. Collection method: clinical testing. Allele origin: germline.

All of Us Research Program, National Institutes of Health
Classification: Uncertain significance for Arrhythmogenic right ventricular cardiomyopathy. Last evaluated: 2024-08-23. Review status: criteria provided, single submitter. Criteria: ACMG Guidelines, 2015. Collection method: clinical testing. Allele origin: germline. Inheritance: Autosomal dominant inheritance. Observed: 9 variant alleles, 9 heterozygotes.
Comment: This missense variant replaces methionine with valine at codon 875 of the DSG2 protein. Computational prediction suggests that this variant may not impact protein structure and function (internally defined REVEL score threshold <= 0.5, PMID: 27666373). To our knowledge, functional studies have not been reported for this variant. This variant has been identified in 9/279964 chromosomes in the general population by the Genome Aggregation Database (gnomAD). The available evidence is insufficient to determine the role of this variant in disease conclusively. Therefore, this variant is classified as a Variant of Uncertain Significance.

This study involves interpretation of variants in research participants for the purpose of population health screening. Participant phenotype was not available at the time of variant classification. Additional details can be found in publication PMID: 35346344, PMCID: PMC8962531

Color Diagnostics, LLC DBA Color Health
Classification: Uncertain significance for Cardiomyopathy. Last evaluated: 2024-07-31. Review status: criteria provided, single submitter. Criteria: ACMG Guidelines, 2015. Collection method: clinical testing. Allele origin: germline.
Comment: This missense variant replaces methionine with valine at codon 875 of the DSG2 protein. Computational prediction suggests that this variant may not impact protein structure and function. To our knowledge, functional studies have not been reported for this variant. This variant has been reported in an individual affected with arrhythmogenic right ventricular dysplasia (PMID: 21606396) and two individuals affected with dilated cardiomyopathy (PMID: 29517769, 30847666). This variant has been identified in 9/279964 chromosomes in the general population by the Genome Aggregation Database (gnomAD). The available evidence is insufficient to determine the role of this variant in disease conclusively. Therefore, this variant is classified as a Variant of Uncertain Significance.

Blueprint Genetics
Classification: Uncertain significance. Last evaluated: 2022-01-19. Review status: criteria provided, single submitter. Criteria: ACMG Guidelines, 2015. Collection method: clinical testing. Allele origin: germline.

Illumina Laboratory Services, Illumina
Classification: Uncertain significance for Arrhythmogenic right ventricular dysplasia 10. Last evaluated: 2018-01-12. Review status: criteria provided, single submitter. Criteria: ICSL Variant Classification Criteria 13 December 2019. Collection method: clinical testing. Allele origin: germline.

Literature cited by the submitters: PubMed 21606396 (cited by 4 submitters); PubMed 29517769 (cited by 4 submitters); PubMed 30847666 (cited by 3 submitters).

NM_001943.5(DSG2):c.2623A>G (p.Met875Val)

Genes: DSG2 (desmoglein 2; plus strand), DSG2-AS1 (DSG2 antisense RNA 1; minus strand). Cytogenetic location: 18q12.1.
Variant type: single nucleotide variant.
Coding change: c.2623A>G on transcript NM_001943.5 (MANE Select); coding-DNA position 2623, A replaced by G.
Protein change: p.Met875Val; replaces methionine 875 with valine.
Molecular consequence: missense variant.
Genome position (GRCh38, 1-based): chr18:31,546,009, A>G. VCF-style: chr18-31546009-A-G. GRCh37 (hg19) VCF-style: chr18-29125972-A-G.
Other names: c.2623A>G (LRG_397t1); short protein forms M875V.
Identifiers: ClinVar variation 222566 (VCV000222566.25), dbSNP rs370316475, ClinGen allele CA046662.